The following is an entry in ClinVar:

ClinVar aggregate classification (germline): Benign/Likely benign. Review status: criteria provided, multiple submitters, no conflicts (2 of 4 stars). 3 submissions from 3 submitters: Benign (1); Likely benign (2). Last evaluated 2025-10-08.

Allele frequency attached by ClinVar (database versions not stated): gnomAD exomes 0.00016; ExAC 0.00086; gnomAD 0.00144; TOPMed 0.00164; ESP Exome Variant Server 0.00194; 1000 Genomes Project 30x 0.00297; 1000 Genomes Project 0.00300.
gnomAD v4.1: 474 of 1,599,114 alleles (0.03%); highest among the groups gnomAD compares: African/African-American, 0.48%; 1 homozygote.

Submissions (3):

Labcorp Genetics (formerly Invitae), Labcorp
Classification: Benign. Last evaluated: 2025-10-08. Review status: criteria provided, single submitter. Criteria: Invitae Variant Classification Sherloc (09022015). Collection method: clinical testing. Allele origin: germline.

Blueprint Genetics
Classification: Likely benign. Last evaluated: 2024-11-13. Review status: criteria provided, single submitter. Criteria: ACMG Guidelines, 2015. Collection method: clinical testing. Allele origin: germline.

CeGaT Center for Human Genetics Tuebingen
Classification: Likely benign. Last evaluated: 2024-10-01. Review status: criteria provided, single submitter. Criteria: CeGaT Center For Human Genetics Tuebingen Variant Classification Criteria Version 2. Collection method: clinical testing. Allele origin: germline. Affected: yes. Observed: 1 variant allele.
Comment: TENM3: BP4, BP7

NM_001080477.4(TENM3):c.7680C>A (p.Gly2560=)

Gene: TENM3 (teneurin transmembrane protein 3; plus strand). Cytogenetic location: 4q35.1.
Variant type: single nucleotide variant.
Coding change: c.7680C>A on transcript NM_001080477.4 (MANE Select); coding-DNA position 7680, C replaced by A.
Protein change: p.Gly2560=; no amino-acid change (glycine 2560 retained).
Molecular consequence: synonymous variant.
Genome position (GRCh38, 1-based): chr4:182,799,931, C>A. VCF-style: chr4-182799931-C-A. GRCh37 (hg19) VCF-style: chr4-183721084-C-A.
Other names: c.6912C>A, p.Gly2304= (NM_001415960.1); c.6885C>A, p.Gly2295= (NM_001415961.1); c.6882C>A, p.Gly2294= (NM_001415962.1); c.6864C>A, p.Gly2288= (NM_001415963.1); c.6861C>A, p.Gly2287= (NM_001415964.1); c.7398C>A, p.Gly2466= (NM_001415966.1); c.7422C>A, p.Gly2474= (NM_001415967.1); c.7698C>A, p.Gly2566= (NM_001415968.1); and 4 more.
Identifiers: ClinVar variation 2038935 (VCV002038935.19), dbSNP rs61742826, ClinGen allele CA3148983.